The following is an entry in ClinVar:

NM_025137.4(SPG11):c.4434+1G>A

Gene: SPG11 (SPG11 vesicle trafficking associated, spatacsin; minus strand). Cytogenetic location: 15q21.1.
Variant type: single nucleotide variant.
Coding change: c.4434+1G>A on transcript NM_025137.4 (MANE Select); the canonical splice donor site of the intron after coding-DNA position 4434, G replaced by A.
Molecular consequence: splice donor variant.
Genome position (GRCh38, 1-based): chr15:44,596,082, C>T on the plus strand (G>A on the coding strand, the complement: SPG11 is on the minus strand). VCF-style: chr15-44596082-C-T. GRCh37 (hg19) VCF-style: chr15-44888280-C-T.
Other names: c.4434+1G>A (NM_001411132.1, NM_001160227.2).
Identifiers: ClinVar variation 803073 (VCV000803073.46), dbSNP rs1567148391, ClinGen allele CA392227273.

ClinVar aggregate classification (germline): Pathogenic/Likely pathogenic. Review status: criteria provided, multiple submitters, no conflicts (2 of 4 stars). 4 submissions from 4 submitters: Pathogenic (1); Likely pathogenic (3). Last evaluated 2024-08-14.

Conditions:
Hereditary spastic paraplegia 11. Also called: SPASTIC PARAPLEGIA, AUTOSOMAL RECESSIVE, COMPLICATED, WITH THIN CORPUS CALLOSUM; SPASTIC PARAPLEGIA, AUTOSOMAL RECESSIVE, WITH MENTAL IMPAIRMENT AND THIN CORPUS CALLOSUM; Spastic paraplegia, mental retardation and thin corpus callosum; Nakamura Osame syndrome; Autosomal recessive hereditary spastic paraplegia, mental impairment, and thin corpus callosum; Spastic Paraplegia 11. Identifiers: Orphanet 2822, MedGen C1858479, MONDO:0011445, OMIM 604360.

Allele frequency attached by ClinVar (database versions not stated): gnomAD exomes below 0.00001.
gnomAD v4.1: 1 of 1,613,126 alleles (0.000062%); highest among the groups gnomAD compares: Non-Finnish European, 0.000085%; no homozygotes.

Submissions (4):

Labcorp Genetics (formerly Invitae), Labcorp
Classification: Likely pathogenic for Hereditary spastic paraplegia 11. Last evaluated: 2024-08-14. Review status: criteria provided, single submitter. Criteria: Invitae Variant Classification Sherloc (09022015). Collection method: clinical testing. Allele origin: germline.
Comment: This sequence change affects a donor splice site in intron 25 of the SPG11 gene. It is expected to disrupt RNA splicing. Variants that disrupt the donor or acceptor splice site typically lead to a loss of protein function (PMID: 16199547), and loss-of-function variants in SPG11 are known to be pathogenic (PMID: 19105190, 20110243, 22154821, 26556829). This variant is not present in population databases (gnomAD no frequency). This variant has not been reported in the literature in individuals affected with SPG11-related conditions. ClinVar contains an entry for this variant (Variation ID: 803073). Algorithms developed to predict the effect of sequence changes on RNA splicing suggest that this variant may disrupt the consensus splice site. In summary, the currently available evidence indicates that the variant is pathogenic, but additional data are needed to prove that conclusively. Therefore, this variant has been classified as Likely Pathogenic.

CeGaT Center for Human Genetics Tuebingen
Classification: Likely pathogenic. Last evaluated: 2020-08-01. Review status: criteria provided, single submitter. Criteria: CeGaT Center For Human Genetics Tuebingen Variant Classification Criteria Version 2. Collection method: clinical testing. Allele origin: germline. Affected: yes. Observed: 1 variant allele.

Mendelics
Classification: Pathogenic for Hereditary spastic paraplegia 11. Last evaluated: 2019-05-28. Review status: criteria provided, single submitter. Criteria: Mendelics Assertion Criteria 2017. Collection method: clinical testing. Allele origin: unknown.

Genome-Nilou Lab
Classification: Likely pathogenic for Hereditary spastic paraplegia 11. Review status: criteria provided, single submitter. Criteria: ACMG Guidelines, 2015. Collection method: clinical testing. Allele origin: germline.

Literature cited by the submitters: PubMed 16199547 (cited by Labcorp Genetics (formerly Invitae), Labcorp); PubMed 19105190 (cited by Labcorp Genetics (formerly Invitae), Labcorp); PubMed 20110243 (cited by Labcorp Genetics (formerly Invitae), Labcorp); PubMed 22154821 (cited by Labcorp Genetics (formerly Invitae), Labcorp); PubMed 26556829 (cited by Labcorp Genetics (formerly Invitae), Labcorp).